The following is an entry in ClinVar:

NM_004937.3(CTNS):c.293_294insAGATAAACAA (p.Val99fs)

Genes: CTNS (cystinosin, lysosomal cystine transporter; plus strand), CTNS-AS1 (CTNS antisense RNA 1; minus strand). Cytogenetic location: 17p13.2.
Variant type: Insertion.
Coding change: c.293_294insAGATAAACAA on transcript NM_004937.3 (MANE Select); coding-DNA positions 293 to 294, AGATAAACAA inserted.
Protein change: p.Val99fs; shifts the reading frame from valine 99.
Molecular consequence: frameshift variant. On other transcripts: 5 prime UTR variant (4).
Genome position: GRCh38 VCF-style: chr17-3655065-C-CAGATAAACAA. GRCh37 (hg19) VCF-style: chr17-3558359-C-CAGATAAACAA.
Other names: c.293_294insAGATAAACAA, p.Val99fs (NM_001031681.3, NM_001374492.1); c.-149_-148insAGATAAACAA (NM_001374493.1, NM_001374494.1, NM_001374495.1 and 1 more transcripts); short protein forms V99fs.
Identifiers: ClinVar variation 5014616 (VCV005014616.1).

ClinVar aggregate classification (germline): Pathogenic (1 of 4 stars; one submission).

Conditions:
Cystinosis. Also called: Cystine diathesis; Cystine storage disease; Cystinoses. Identifiers: Orphanet 213, MedGen C4316899, MONDO:0016239.

Submission:

Myriad Genetics, Inc.
Classification: Pathogenic for Cystinosis. Last evaluated: 2025-06-19. Review status: criteria provided, single submitter. Criteria: Myriad Autosomal Dominant, Autosomal Recessive and X-Linked Classification Criteria (2023). Collection method: clinical testing. Allele origin: unknown.
Comment: NM_004937.2(CTNS):c.293_294ins10(V99Dfs*29) is expected to be pathogenic in the context of cystinosis. This variant is predicted to lead to an abnormal or absent protein product due to the creation of a premature termination codon in CTNS, a gene where loss-of-function variants are known to be pathogenic. Please note: this variant was assessed in the context of healthy population screening.